The following is an entry in ClinVar:

NM_001845.6(COL4A1):c.3215C>T (p.Ala1072Val)

Gene: COL4A1 (collagen type IV alpha 1 chain; minus strand). Cytogenetic location: 13q34.
Variant type: single nucleotide variant.
Coding change: c.3215C>T on transcript NM_001845.6 (MANE Select); coding-DNA position 3215, C replaced by T.
Protein change: p.Ala1072Val; replaces alanine 1072 with valine.
Molecular consequence: missense variant.
Genome position (GRCh38, 1-based): chr13:110,174,733, G>A on the plus strand (C>T on the coding strand, the complement: COL4A1 is on the minus strand). VCF-style: chr13-110174733-G-A. GRCh37 (hg19) VCF-style: chr13-110827080-G-A.
Other names: short protein forms A1072V.
Identifiers: ClinVar variation 2864983 (VCV002864983.4), dbSNP rs769482830, ClinGen allele CA7047330.
Genomic context (GRCh38, chr13:110,174,733, plus strand): 5'-ATTCCTGGGATCCCAATGCTTCCTTTTTCTCCCTTCTCTCCAGGGCTTCCTGGGAAACCC[G>A]CTATCCCTTGATCTCCCTGCAAGTAAAAGTCAGGCATATTAACTTTACATTTGTCCATGG-3'
Protein context (NP_001836.3, residues 1062-1082): LRGEKGDQGI[Ala1072Val]GFPGSPGEKG

ClinVar aggregate classification (germline): Uncertain significance. Review status: criteria provided, multiple submitters, no conflicts (2 of 4 stars). 2 submissions from 2 submitters: Uncertain significance (2). Last evaluated 2024-05-26.

Conditions:
Microangiopathy and leukoencephalopathy, pontine, autosomal dominant. Also called: DEMENTIA, HEREDITARY MULTI-INFARCT, SWEDISH TYPE; Pontine autosomal dominant microangiopathy with leukoencephalopathy. Identifiers: Orphanet 477749, MedGen C5231411, MONDO:0032814, OMIM 618564.
Retinal arterial tortuosity. Also called: Retinal arteries, tortuosity of; RETINAL HEMORRHAGE WITH VASCULAR TORTUOSITY. Identifiers: Orphanet 75326, MedGen C0423401, MONDO:0008373, OMIM 180000, HP:0000631.
Brain small vessel disease 1 with or without ocular anomalies (BSVD1). Also called: PORENCEPHALY, TYPE 1, AUTOSOMAL DOMINANT; BRAIN SMALL VESSEL DISEASE WITH HEMORRHAGE; GOULD SYNDROME 1; Brain small vessel disease with or without ocular anomalies. Identifiers: Orphanet 2940, Orphanet 36383, Orphanet 99810, MedGen C4755307, MONDO:0008289, OMIM 175780.
Hemorrhage, intracerebral, susceptibility to (ICH). Also called: Stroke, hemorrhagic, susceptibility to. Identifiers: MedGen C3281105, MONDO:0100533, OMIM 614519.
Autosomal dominant familial hematuria-retinal arteriolar tortuosity-contractures syndrome. Also called: Hereditary Angiopathy with Nephropathy, Aneurysms, and Muscle Cramps (HANAC) Syndrome; Angiopathy, hereditary, with nephropathy, aneurysms, and muscle cramps. Identifiers: Orphanet 73229, MedGen C2673195, MONDO:0012726, OMIM 611773.

Allele frequency attached by ClinVar (database versions not stated): gnomAD 0.00001; TOPMed 0.00001; gnomAD exomes 0.00003; ExAC 0.00006.
gnomAD v4.1: 40 of 1,613,208 alleles (0.0025%); highest among the groups gnomAD compares: South Asian, 0.031%; no homozygotes.

Submissions (2):

Labcorp Genetics (formerly Invitae), Labcorp
Classification: Uncertain significance. Last evaluated: 2024-05-26. Review status: criteria provided, single submitter. Criteria: Invitae Variant Classification Sherloc (09022015). Collection method: clinical testing. Allele origin: germline.
Comment: This sequence change replaces alanine, which is neutral and non-polar, with valine, which is neutral and non-polar, at codon 1072 of the COL4A1 protein (p.Ala1072Val). This variant is present in population databases (rs769482830, gnomAD 0.02%). This variant has not been reported in the literature in individuals affected with COL4A1-related conditions. Algorithms developed to predict the effect of missense changes on protein structure and function output the following: SIFT: "Not Available"; PolyPhen-2: "Benign"; Align-GVGD: "Not Available". The valine amino acid residue is found in multiple mammalian species, which suggests that this missense change does not adversely affect protein function. In summary, the available evidence is currently insufficient to determine the role of this variant in disease. Therefore, it has been classified as a Variant of Uncertain Significance.

Fulgent Genetics
Classification: Uncertain significance for Brain small vessel disease 1 with or without ocular anomalies; Retinal arterial tortuosity; Autosomal dominant familial hematuria-retinal arteriolar tortuosity-contractures syndrome; Hemorrhage, intracerebral, susceptibility to; Microangiopathy and leukoencephalopathy, pontine, autosomal dominant. Last evaluated: 2024-01-13. Review status: criteria provided, single submitter. Criteria: ACMG Guidelines, 2015. Collection method: clinical testing. Allele origin: germline.